The following is an entry in ClinVar:

ClinVar aggregate classification (germline): Conflicting classifications of pathogenicity. Review status: criteria provided, conflicting classifications (1 of 4 stars). 3 submissions from 3 submitters: Uncertain significance (1); Likely benign (2). Last evaluated 2025-12-01.

Allele frequency attached by ClinVar (database versions not stated): gnomAD 0.00013; TOPMed 0.00014; gnomAD exomes 0.00015; ExAC 0.00017; 1000 Genomes Project 30x 0.00031.
gnomAD v4.1: 236 of 1,613,930 alleles (0.015%); highest among the groups gnomAD compares: Non-Finnish European, 0.017%; 3 homozygotes.

Submissions (3):

Labcorp Genetics (formerly Invitae), Labcorp
Classification: Likely benign. Last evaluated: 2025-12-01. Review status: criteria provided, single submitter. Criteria: Invitae Variant Classification Sherloc (09022015). Collection method: clinical testing. Allele origin: germline.

Mayo Clinic Laboratories, Mayo Clinic
Classification: Uncertain significance. Last evaluated: 2023-10-30. Review status: criteria provided, single submitter. Criteria: ACMG Guidelines, 2015. Collection method: clinical testing. Allele origin: germline. Observed: 1 variant allele.
Comment: BP4

CeGaT Center for Human Genetics Tuebingen
Classification: Likely benign. Last evaluated: 2022-10-01. Review status: criteria provided, single submitter. Criteria: CeGaT Center For Human Genetics Tuebingen Variant Classification Criteria Version 2. Collection method: clinical testing. Allele origin: germline. Affected: yes. Observed: 1 variant allele.
Comment: RNF213: BP4

NM_001256071.3(RNF213):c.9089C>T (p.Pro3030Leu)

Gene: RNF213 (ring finger protein 213; plus strand). Cytogenetic location: 17q25.3.
Variant type: single nucleotide variant.
Coding change: c.9089C>T on transcript NM_001256071.3 (MANE Select); coding-DNA position 9089, C replaced by T.
Protein change: p.Pro3030Leu; replaces proline 3030 with leucine.
Molecular consequence: missense variant.
Genome position (GRCh38, 1-based): chr17:80,347,424, C>T. VCF-style: chr17-80347424-C-T. GRCh37 (hg19) VCF-style: chr17-78321224-C-T.
Other names: p.Pro3030Leu; c.9236C>T, p.Pro3079Leu (NM_001410195.1, NM_020914.5); short protein forms P3079L, P3030L.
Identifiers: ClinVar variation 1879386 (VCV001879386.34), dbSNP rs201559472, ClinGen allele CA8821062.